The following is an entry in ClinVar:

ClinVar aggregate classification (germline): Likely benign. Review status: criteria provided, multiple submitters, no conflicts (2 of 4 stars). 4 submissions from 4 submitters: Likely benign (4). Last evaluated 2025-02-28.

Conditions:
JAG1-related disorder. Also called: JAG1-related condition; JAG1-related disorders.
Cardiovascular phenotype. Identifiers: MedGen CN230736.
Alagille syndrome due to a JAG1 point mutation. Also called: JAG1-Related Alagille Syndrome; Alagille Syndrome 1; HEPATIC DUCTULAR HYPOPLASIA, SYNDROMATIC. Identifiers: Orphanet 261619, Orphanet 52, MedGen C1956125, MONDO:0016862, OMIM 118450.

Allele frequency attached by ClinVar (database versions not stated): ExAC 0.00001; gnomAD 0.00001 and 0.00003; gnomAD exomes 0.00001 and 0.00002; 1000 Genomes Project 30x 0.00016; 1000 Genomes Project 0.00020.
gnomAD v4.1: 28 of 1,614,192 alleles (0.0017%); highest among the groups gnomAD compares: African/African-American, 0.004%; no homozygotes.

Submissions (4):

PreventionGenetics, part of Exact Sciences
Classification: Likely benign for JAG1-related condition. Last evaluated: 2025-02-28. Review status: criteria provided, single submitter. Criteria: ACMG Guidelines, 2015. Collection method: clinical testing. Allele origin: germline.
Comment: This variant is classified as likely benign based on ACMG/AMP sequence variant interpretation guidelines (Richards et al. 2015 PMID: 25741868, with internal and published modifications).

Labcorp Genetics (formerly Invitae), Labcorp
Classification: Likely benign for Alagille syndrome due to a JAG1 point mutation. Last evaluated: 2024-11-05. Review status: criteria provided, single submitter. Criteria: Invitae Variant Classification Sherloc (09022015). Collection method: clinical testing. Allele origin: germline.

Blueprint Genetics
Classification: Likely benign. Last evaluated: 2024-06-07. Review status: criteria provided, single submitter. Criteria: ACMG Guidelines, 2015. Collection method: clinical testing. Allele origin: germline.

Ambry Genetics
Classification: Likely benign for Cardiovascular phenotype. Last evaluated: 2019-05-19. Review status: criteria provided, single submitter. Criteria: Ambry Variant Classification Scheme 2023. Collection method: clinical testing. Allele origin: germline.

NM_000214.3(JAG1):c.474G>A (p.Ser158=)

Gene: JAG1 (jagged canonical Notch ligand 1; minus strand). Cytogenetic location: 20p12.2.
Variant type: single nucleotide variant.
Coding change: c.474G>A on transcript NM_000214.3 (MANE Select); coding-DNA position 474, G replaced by A.
Protein change: p.Ser158=; no amino-acid change (serine 158 retained).
Molecular consequence: synonymous variant.
Genome position (GRCh38, 1-based): chr20:10,658,688, C>T on the plus strand (G>A on the coding strand, the complement: JAG1 is on the minus strand). VCF-style: chr20-10658688-C-T. GRCh37 (hg19) VCF-style: chr20-10639336-C-T.
Identifiers: ClinVar variation 1462355 (VCV001462355.10), dbSNP rs555794483, ClinGen allele CA9765122.